The following is an entry in ClinVar:

ClinVar aggregate classification (germline): Uncertain significance (0 of 4 stars; one submission).

Conditions:
DNAH9-related disorder. Also called: DNAH9-related condition.

Submission:

PreventionGenetics, part of Exact Sciences
Classification: Uncertain significance for DNAH9-related condition. Last evaluated: 2024-07-08. Review status: no assertion criteria provided. Collection method: clinical testing. Allele origin: germline.
Comment: The DNAH9 c.12554T>A variant is predicted to result in the amino acid substitution p.Ile4185Asn. To our knowledge, this variant has not been reported in the literature or in a large population database, indicating this variant is rare. At this time, the clinical significance of this variant is uncertain due to the absence of conclusive functional and genetic evidence.

NM_001372.4(DNAH9):c.12554T>A (p.Ile4185Asn)

Gene: DNAH9 (dynein axonemal heavy chain 9; plus strand). Cytogenetic location: 17p12.
Variant type: single nucleotide variant.
Coding change: c.12554T>A on transcript NM_001372.4 (MANE Select); coding-DNA position 12554, T replaced by A.
Protein change: p.Ile4185Asn; replaces isoleucine 4185 with asparagine.
Molecular consequence: missense variant.
Genome position (GRCh38, 1-based): chr17:11,937,416, T>A. VCF-style: chr17-11937416-T-A. GRCh37 (hg19) VCF-style: chr17-11840733-T-A.
Other names: c.1490T>A, p.Ile497Asn (NM_004662.2); short protein forms I4185N, I497N.
Identifiers: ClinVar variation 3348142 (VCV003348142.1).